The following is an entry in ClinVar:

ClinVar aggregate classification (germline): Uncertain significance (1 of 4 stars; one submission).

Conditions:
Familial thoracic aortic aneurysm and aortic dissection (TAAD). Also called: Thoracic aortic aneurysms and dissections. Identifiers: Orphanet 91387, MedGen C4707243, MONDO:0019625.

Submission:

Ambry Genetics
Classification: Uncertain significance for Familial thoracic aortic aneurysm and aortic dissection. Last evaluated: 2025-10-05. Review status: criteria provided, single submitter. Criteria: Ambry Variant Classification Scheme 2023. Collection method: clinical testing. Allele origin: germline.
Comment: The p.C376R variant (also known as c.1126T>C), located in coding exon 8 of the ACTA2 gene, results from a T to C substitution at nucleotide position 1126. The cysteine at codon 376 is replaced by arginine, an amino acid with highly dissimilar properties. This amino acid position is conserved. In addition, this alteration is predicted to be deleterious by in silico analysis. Based on the available evidence, the clinical significance of this variant remains unclear.

NM_001613.4(ACTA2):c.1126T>C (p.Cys376Arg)

Genes: ACTA2-AS1 (ACTA2 antisense RNA 1; plus strand), ACTA2 (actin alpha 2, smooth muscle; minus strand). Cytogenetic location: 10q23.31.
Variant type: single nucleotide variant.
Coding change: c.1126T>C on transcript NM_001613.4 (MANE Select); coding-DNA position 1126, T replaced by C.
Protein change: p.Cys376Arg; replaces cysteine 376 with arginine.
Molecular consequence: missense variant. On other transcripts: non-coding transcript variant (1).
Genome position (GRCh38, 1-based): chr10:88,935,231, A>G on the plus strand (T>C on the coding strand, the complement: ACTA2 is on the minus strand). VCF-style: chr10-88935231-A-G. GRCh37 (hg19) VCF-style: chr10-90694988-A-G.
Other names: c.1126T>C, p.Cys376Arg (NM_001141945.3, NM_001320855.2, NM_001406462.1 and 2 more transcripts); c.1015T>C, p.Cys339Arg (NM_001406466.1); c.997T>C, p.Cys333Arg (NM_001406467.1, NM_001406468.1, NM_001406469.1); c.934T>C, p.Cys312Arg (NM_001406471.1); short protein forms C333R, C339R, C376R, C312R.
Identifiers: ClinVar variation 4635331 (VCV004635331.1).
Genomic context (GRCh38, chr10:88,935,231, plus strand): 5'-CACAGGACATTCACAGTTGTGTGCTAGAGACAGAGAGGAGCAGGAAAGTGTTTTAGAAGC[A>G]TTTGCGGTGGACAATGGAAGGCCCGGCTTCATCGTATTCCTGTTTGCTGATCCACATCTG-3'
Protein context (NP_001604.1, residues 366-377): EAGPSIVHRK[Cys376Arg]F